The following is an entry in ClinVar:

NM_001001957.2(OR2W3):c.819C>T (p.Phe273=)

Gene: OR2W3 (olfactory receptor family 2 subfamily W member 3; plus strand). Cytogenetic location: 1q44.
Variant type: single nucleotide variant.
Coding change: c.819C>T on transcript NM_001001957.2 (MANE Select); coding-DNA position 819, C replaced by T.
Protein change: p.Phe273=; no amino-acid change (phenylalanine 273 retained).
Molecular consequence: synonymous variant.
Genome position (GRCh38, 1-based): chr1:247,896,405, C>T. VCF-style: chr1-247896405-C-T. GRCh37 (hg19) VCF-style: chr1-248059707-C-T.
Identifiers: ClinVar variation 1592552 (VCV001592552.10), dbSNP rs527590156, ClinGen allele CA1498691.

ClinVar aggregate classification (germline): Likely benign. Review status: criteria provided, single submitter (1 of 4 stars). 2 submissions from 2 submitters: Likely benign (1). 1 of the submissions does not count toward it. Last evaluated 2025-10-21.

Conditions:
OR2W3-related disorder. Also called: OR2W3-related condition.

Allele frequency attached by ClinVar (database versions not stated): gnomAD exomes 0.00012 and 0.00019; gnomAD 0.00015 and 0.00016; ExAC 0.00018; TOPMed 0.00020; 1000 Genomes Project 30x 0.00031.

Submissions (2):

Labcorp Genetics (formerly Invitae), Labcorp
Classification: Likely benign. Last evaluated: 2025-10-21. Review status: criteria provided, single submitter. Criteria: Invitae Variant Classification Sherloc (09022015). Collection method: clinical testing. Allele origin: germline.

PreventionGenetics, part of Exact Sciences
Classification: Likely benign for OR2W3-related condition. Last evaluated: 2019-04-10. Review status: no assertion criteria provided. Collection method: clinical testing. Allele origin: germline. Not counted in ClinVar's aggregate classification.
Comment: This variant is classified as likely benign based on ACMG/AMP sequence variant interpretation guidelines (Richards et al. 2015 PMID: 25741868, with internal and published modifications).